The following is an entry in ClinVar:

NM_000092.5(COL4A4):c.4720C>T (p.Gln1574Ter)

Gene: COL4A4 (collagen type IV alpha 4 chain; minus strand). Cytogenetic location: 2q36.3.
Variant type: single nucleotide variant.
Coding change: c.4720C>T on transcript NM_000092.5 (MANE Select); coding-DNA position 4720, C replaced by T.
Protein change: p.Gln1574Ter; replaces glutamine 1574 with a stop codon.
Molecular consequence: nonsense.
Genome position (GRCh38, 1-based): chr2:227,008,107, G>A on the plus strand (C>T on the coding strand, the complement: COL4A4 is on the minus strand). VCF-style: chr2-227008107-G-A. GRCh37 (hg19) VCF-style: chr2-227872823-G-A.
Other names: short protein forms Q1574*.
Identifiers: ClinVar variation 1342006 (VCV001342006.9), dbSNP rs2149720690, ClinGen allele CA351140625.
Genomic context (GRCh38, chr2:227,008,107, plus strand): 5'-TCCTCCAGGTCTGCGGACATGGGGGGATGGACTGGTCCTGGCTGTGCACCGCCACCGCCT[G>A]GGCCGGGGCCTCGCATACCGCACAGCGGCTGACATAGGGGCGGATCGCCTCTTCAGAGAG-3'

ClinVar aggregate classification (germline): Pathogenic. Review status: criteria provided, multiple submitters, no conflicts (2 of 4 stars). 4 submissions from 4 submitters: Pathogenic (4). Last evaluated 2025-05-30.

Conditions:
Alport syndrome. Also called: Hemorrhagic familial nephritis; Hemorrhagic hereditary nephritis; Congenital hereditary hematuria. Identifiers: Orphanet 63, MedGen C1567741, MONDO:0018965.
Autosomal recessive Alport syndrome (ATS2). Also called: Alport syndrome type 2; COL4A3-Related Nephropathy; COL4A4 Alport Syndrome and Thin Basement Membrane Nephropathy; ALPORT SYNDROME 2, AUTOSOMAL RECESSIVE. Identifiers: Orphanet 63, Orphanet 88919, MedGen C4746745, MONDO:0008762, OMIM 203780.

Submissions (4):

First Genomix Gene Laboratory, Genetic Diagnostics Department
Classification: Pathogenic for Autosomal recessive Alport syndrome. Last evaluated: 2025-05-30. Review status: criteria provided, single submitter. Criteria: ACMG Guidelines, 2015. Collection method: clinical testing. Allele origin: germline. Inheritance: Autosomal recessive inheritance. Affected: no.

Victorian Clinical Genetics Services, Murdoch Childrens Research Institute
Classification: Pathogenic for Alport syndrome. Last evaluated: 2024-10-09. Review status: criteria provided, single submitter. Criteria: ACMG Guidelines, 2015. Collection method: clinical testing. Allele origin: germline. Affected: yes.
Comment: Based on the classification scheme VCGS_Germline_v1.3.4, this variant is classified as Pathogenic. Following criteria are met: 0103 - Loss of function is a known mechanism of disease for this gene and is associated with Alport syndrome. Dominant negative is a suspected mechanism of disease for this gene as it is a structural protein (PMID: 12028435, 24046192). (I) 0108 - This gene is associated with both recessive and dominant disease. Alport syndrome typically has biallelic inheritance, although rare cases of monoallelic inheritance have been reported (PMID: 28704582). Thin basement membrane nephropathy (TBMN) and focal segmental glomerulosclerosis (FSGS) are associated with autosomal dominant inheritance (OMIM, PMID: 16467446, 17942953). (I) 0201 - Variant is predicted to cause nonsense-mediated decay (NMD) and loss of protein (premature termination codon is located at least 54 nucleotides upstream of the final exon-exon junction). (SP) 0251 - This variant is heterozygous. (I) 0301 - Variant is absent from gnomAD (both v2 and v3). (SP) 0701 - Many other NMD-predicted variants comparable to the one identified in this case have very strong previous evidence for pathogenicity (DECIPHER). (SP) 0803 - This variant has limited previous evidence of pathogenicity in unrelated individuals. This variant has been classified as pathogenic by clinical laboratories in ClinVar, and has been observed in the literature in an individual with Alport syndrome, who also had a second variant in COL4A4 (PMID: 35419377). (SP) 0905 - No published segregation evidence has been identified for this variant. (I) 1007 - No published functional evidence has been identified for this variant. (I) 1208 - Inheritance information for this variant is not currently available in this individual. (I) Legend: (SP) - Supporting pathogenic, (I) - Information, (SB) - Supporting benign

Labcorp Genetics (formerly Invitae), Labcorp
Classification: Pathogenic. Last evaluated: 2024-02-24. Review status: criteria provided, single submitter. Criteria: Invitae Variant Classification Sherloc (09022015). Collection method: clinical testing. Allele origin: germline.
Comment: This sequence change creates a premature translational stop signal (p.Gln1574*) in the COL4A4 gene. It is expected to result in an absent or disrupted protein product. Loss-of-function variants in COL4A4 are known to be pathogenic (PMID: 21196518, 24854265, 25307543). This variant is not present in population databases (gnomAD no frequency). This variant has not been reported in the literature in individuals affected with COL4A4-related conditions. ClinVar contains an entry for this variant (Variation ID: 1342006). For these reasons, this variant has been classified as Pathogenic.

CENTOGENE GmbH and LLC - Guiding Precision Medicine
Classification: Pathogenic for Autosomal recessive Alport syndrome. Last evaluated: 2022-02-21. Review status: criteria provided, single submitter. Criteria: ACMG Guidelines, 2015. Collection method: clinical testing. Allele origin: germline. Affected: yes.

Literature cited by the submitters: PubMed 12028435 (cited by Victorian Clinical Genetics Services, Murdoch Childrens Research Institute); PubMed 16467446 (cited by Victorian Clinical Genetics Services, Murdoch Childrens Research Institute); PubMed 17942953 (cited by Victorian Clinical Genetics Services, Murdoch Childrens Research Institute); PubMed 24046192 (cited by Victorian Clinical Genetics Services, Murdoch Childrens Research Institute); PubMed 28704582 (cited by Victorian Clinical Genetics Services, Murdoch Childrens Research Institute); PubMed 35419377 (cited by Victorian Clinical Genetics Services, Murdoch Childrens Research Institute); PubMed 21196518 (cited by Labcorp Genetics (formerly Invitae), Labcorp); PubMed 24854265 (cited by Labcorp Genetics (formerly Invitae), Labcorp); PubMed 25307543 (cited by Labcorp Genetics (formerly Invitae), Labcorp).